The following is an entry in ClinVar:

NM_021957.4(GYS2):c.1809+4_1809+13del

Gene: GYS2 (glycogen synthase 2; minus strand). Cytogenetic location: 12p12.1.
Variant type: Deletion.
Coding change: c.1809+4_1809+13del on transcript NM_021957.4 (MANE Select); bases 4 to 13 of the intron after coding-DNA position 1809, 10 bases deleted (AGCAAGTTTA; older notation c.1809+4_1809+13delAGCAAGTTTA).
Molecular consequence: splice donor variant.
Genome position (GRCh38, 1-based): chr12:21,540,397-21,540,406, TAAACTTGCT deleted on the plus strand (AGCAAGTTTA on the coding strand, the reverse complement: GYS2 is on the minus strand); deleting any 10 consecutive bases within chr12:21,540,397-21,540,408 gives the same sequence; the c. name uses the placement nearest the transcript's 3' end. VCF-style (leftmost placement, unchanged base first): chr12-21540396-CTAAACTTGCT-C. GRCh37 (hg19) VCF-style: chr12-21693330-CTAAACTTGCT-C.
Identifiers: ClinVar variation 3052602 (VCV003052602.2), dbSNP rs2540469204, ClinGen allele CA2740092345.

ClinVar aggregate classification (germline): Uncertain significance (0 of 4 stars; one submission).

Conditions:
GYS2-related disorder. Also called: GYS2-related condition.

Submission:

PreventionGenetics, part of Exact Sciences
Classification: Uncertain significance for GYS2-related condition. Last evaluated: 2023-11-15. Review status: no assertion criteria provided. Collection method: clinical testing. Allele origin: germline.
Comment: The GYS2 c.1809+4_1809+13del10 variant is predicted to result in an intronic deletion. To our knowledge, this variant has not been reported in the literature or in a large population database, indicating this variant is rare. At this time, the clinical significance of this variant is uncertain due to the absence of conclusive functional and genetic evidence.